The following is an entry in ClinVar:

ClinVar aggregate classification (germline): Uncertain significance (1 of 4 stars; one submission).

gnomAD v4.1: 19 of 1,613,822 alleles (0.0012%); highest among the groups gnomAD compares: Admixed American, 0.0083%; no homozygotes.

Submission:

Labcorp Genetics (formerly Invitae), Labcorp
Classification: Uncertain significance. Last evaluated: 2025-10-15. Review status: criteria provided, single submitter. Criteria: Invitae Variant Classification Sherloc (09022015). Collection method: clinical testing. Allele origin: germline.
Comment: This sequence change replaces arginine, which is basic and polar, with tryptophan, which is neutral and slightly polar, at codon 4062 of the RNF213 protein (p.Arg4062Trp). This variant is present in population databases (rs147941497, gnomAD 0.009%). This variant has not been reported in the literature in individuals affected with RNF213-related conditions. Invitae Evidence Modeling of protein sequence and biophysical properties (such as structural, functional, and spatial information, amino acid conservation, physicochemical variation, residue mobility, and thermodynamic stability) indicates that this missense variant is not expected to disrupt RNF213 protein function with a negative predictive value of 95%. This variant disrupts the p.Arg4062 amino acid residue in RNF213. Other variant(s) that disrupt this residue have been determined to be pathogenic (PMID: 25964206, 27128593, 29387438, 30922903). This suggests that this residue is clinically significant, and that variants that disrupt this residue are likely to be disease-causing. In summary, the available evidence is currently insufficient to determine the role of this variant in disease. Therefore, it has been classified as a Variant of Uncertain Significance.

Literature cited by the submitters: PubMed 25964206; PubMed 27128593; PubMed 29387438; PubMed 30922903.

NM_001256071.3(RNF213):c.12184C>T (p.Arg4062Trp)

Genes: RNF213 (ring finger protein 213; plus strand), RNF213-AS1 (RNF213 antisense RNA 1; minus strand). Cytogenetic location: 17q25.3.
Variant type: single nucleotide variant.
Coding change: c.12184C>T on transcript NM_001256071.3 (MANE Select); coding-DNA position 12184, C replaced by T.
Protein change: p.Arg4062Trp; replaces arginine 4062 with tryptophan.
Molecular consequence: missense variant.
Genome position (GRCh38, 1-based): chr17:80,369,530, C>T. VCF-style: chr17-80369530-C-T. GRCh37 (hg19) VCF-style: chr17-78343330-C-T.
Other names: c.12331C>T, p.Arg4111Trp (NM_001410195.1, NM_020914.5); short protein forms R4062W, R4111W.
Identifiers: ClinVar variation 4739787 (VCV004739787.1).